The following is an entry in ClinVar:

ClinVar aggregate classification (germline): Likely benign. Review status: criteria provided, multiple submitters, no conflicts (2 of 4 stars). 2 submissions from 2 submitters: Likely benign (2). Last evaluated 2026-01-11.

Allele frequency attached by ClinVar (database versions not stated): gnomAD 0.00002 and 0.00003; gnomAD exomes 0.00003 and 0.00004; ExAC 0.00004; ESP Exome Variant Server 0.00008; 1000 Genomes Project 30x 0.00016; 1000 Genomes Project 0.00020.
gnomAD v4.1: 57 of 1,600,200 alleles (0.0036%); highest among the groups gnomAD compares: Middle Eastern, 0.066%; no homozygotes.

Submissions (2):

Labcorp Genetics (formerly Invitae), Labcorp
Classification: Likely benign. Last evaluated: 2026-01-11. Review status: criteria provided, single submitter. Criteria: Invitae Variant Classification Sherloc (09022015). Collection method: clinical testing. Allele origin: germline.

CeGaT Center for Human Genetics Tuebingen
Classification: Likely benign. Last evaluated: 2023-07-01. Review status: criteria provided, single submitter. Criteria: CeGaT Center For Human Genetics Tuebingen Variant Classification Criteria Version 2. Collection method: clinical testing. Allele origin: germline. Affected: yes. Observed: 1 variant allele.
Comment: DCHS1: BP4, BP7

NM_003737.4(DCHS1):c.9459C>T (p.Gly3153=)

Gene: DCHS1 (dachsous cadherin-related 1; minus strand). Cytogenetic location: 11p15.4.
Variant type: single nucleotide variant.
Coding change: c.9459C>T on transcript NM_003737.4 (MANE Select); coding-DNA position 9459, C replaced by T.
Protein change: p.Gly3153=; no amino-acid change (glycine 3153 retained).
Molecular consequence: synonymous variant.
Genome position (GRCh38, 1-based): chr11:6,622,217, G>A on the plus strand (C>T on the coding strand, the complement: DCHS1 is on the minus strand). VCF-style: chr11-6622217-G-A. GRCh37 (hg19) VCF-style: chr11-6643448-G-A.
Identifiers: ClinVar variation 1417188 (VCV001417188.29), dbSNP rs145042783, ClinGen allele CA5859245.